The following is an entry in ClinVar:

ClinVar aggregate classification (germline): Likely benign (0 of 4 stars; one submission).

Conditions:
TLL1-related disorder. Also called: TLL1-related condition.

Allele frequency attached by ClinVar (database versions not stated): gnomAD exomes below 0.00001; ExAC 0.00001; gnomAD 0.00009; TOPMed 0.00010.
gnomAD v4.1: 17 of 1,613,966 alleles (0.0011%); highest among the groups gnomAD compares: African/African-American, 0.021%; no homozygotes.

Submission:

PreventionGenetics, part of Exact Sciences
Classification: Likely benign for TLL1-related condition. Last evaluated: 2019-08-28. Review status: no assertion criteria provided. Collection method: clinical testing. Allele origin: germline.
Comment: This variant is classified as likely benign based on ACMG/AMP sequence variant interpretation guidelines (Richards et al. 2015 PMID: 25741868, with internal and published modifications).

NM_012464.5(TLL1):c.573G>A (p.Val191=)

Gene: TLL1 (tolloid like 1; plus strand). Cytogenetic location: 4q32.3.
Variant type: single nucleotide variant.
Coding change: c.573G>A on transcript NM_012464.5 (MANE Select); coding-DNA position 573, G replaced by A.
Protein change: p.Val191=; no amino-acid change (valine 191 retained).
Molecular consequence: synonymous variant.
Genome position (GRCh38, 1-based): chr4:165,995,119, G>A. VCF-style: chr4-165995119-G-A. GRCh37 (hg19) VCF-style: chr4-166916271-G-A.
Other names: c.573G>A, p.Val191= (NM_001204760.2).
Identifiers: ClinVar variation 3053878 (VCV003053878.2), dbSNP rs754979554, ClinGen allele CA3130640.